The following is an entry in ClinVar:

NM_022081.6(HPS4):c.1118A>G (p.His373Arg)

Gene: HPS4 (HPS4 biogenesis of lysosomal organelles complex 3 subunit 2; minus strand). Cytogenetic location: 22q12.1.
Variant type: single nucleotide variant.
Coding change: c.1118A>G on transcript NM_022081.6 (MANE Select); coding-DNA position 1118, A replaced by G.
Protein change: p.His373Arg; replaces histidine 373 with arginine.
Molecular consequence: missense variant. On other transcripts: non-coding transcript variant (8).
Genome position (GRCh38, 1-based): chr22:26,464,512, T>C on the plus strand (A>G on the coding strand, the complement: HPS4 is on the minus strand). VCF-style: chr22-26464512-T-C. GRCh37 (hg19) VCF-style: chr22-26860478-T-C.
Other names: c.1118A>G, p.His373Arg (NM_001349896.1, NM_001349898.2, NM_001349899.2 and 5 more transcripts); c.1172A>G, p.His391Arg (NM_001349900.2, NM_001349901.1); c.1103A>G, p.His368Arg (NM_152841.2); short protein forms H368R, H373R, H391R.
Identifiers: ClinVar variation 3769685 (VCV003769685.1).
Genomic context (GRCh38, chr22:26,464,512, plus strand): 5'-GGCACATGTAGGAAGGCAAAATGACCTGAGGCCATTTCCACTTCCTGAGCCTCTGGAATG[T>C]GGATTTCAGACAAGTCGAGTTCTTCTTGGAGAAAGACTAGTTCCTTCCCCAGGGAGGAGC-3'
Protein context (NP_071364.4, residues 363-383): LQEELDLSEI[His373Arg]IPEAQEVEMA

ClinVar aggregate classification (germline): Uncertain significance (1 of 4 stars; one submission).

gnomAD v4.1: 1 of 1,614,144 alleles (0.000062%); highest among the groups gnomAD compares: Non-Finnish European, 0.000085%; no homozygotes.

Submission:

GeneDx
Classification: Uncertain significance. Last evaluated: 2024-09-16. Review status: criteria provided, single submitter. Criteria: GeneDx Variant Classification Process June 2021. Collection method: clinical testing. Allele origin: germline. Affected: yes.
Comment: Not observed at significant frequency in large population cohorts (gnomAD); In silico analysis supports that this missense variant has a deleterious effect on protein structure/function; Has not been previously published as pathogenic or benign to our knowledge